The following is an entry in ClinVar:

NM_203395.3(IYD):c.624del (p.Val209fs)

Gene: IYD (iodotyrosine deiodinase; plus strand). Cytogenetic location: 6q25.1.
Variant type: Deletion.
Coding change: c.624del on transcript NM_203395.3 (MANE Select); coding-DNA position 624, one base deleted (A; older notation c.624delA).
Protein change: p.Val209fs; shifts the reading frame from valine 209.
Molecular consequence: frameshift variant. On other transcripts: non-coding transcript variant (1).
Genome position (GRCh38, 1-based): chr6:150,394,192, A deleted; the last of 6 consecutive A bases (chr6:150,394,187-150,394,192); deleting any one gives the same sequence. VCF-style (leftmost placement, unchanged base first): chr6-150394186-GA-G. GRCh37 (hg19) VCF-style: chr6-150715322-GA-G.
Other names: c.624del, p.Val209fs (NM_001164694.2, NM_001164695.2); c.378del, p.Val127fs (NM_001318495.2); c.624delA (NM_001164694.1); short protein forms V127fs, V209fs.
Identifiers: ClinVar variation 2239895 (VCV002239895.4), dbSNP rs763040556, ClinGen allele CA4047076.

ClinVar aggregate classification (germline): Conflicting classifications of pathogenicity. Review status: criteria provided, conflicting classifications (1 of 4 stars). 3 submissions from 3 submitters: Likely pathogenic (1); Uncertain significance (2). Last evaluated 2025-07-02.

Conditions:
Iodotyrosine deiodination defect (TDH4). Also called: DEIODINASE DEFICIENCY; HYPOTHYROIDISM, CONGENITAL, DUE TO DYSHORMONOGENESIS, 4; IODOTYROSINE DEHALOGENASE DEFICIENCY; THYROID HORMONOGENESIS, GENETIC DEFECT IN, 4; Thyroid dyshormonogenesis 4. Identifiers: Orphanet 95716, MedGen C0342195, MONDO:0010136, OMIM 274800.
IYD-related disorder. Also called: IYD-related condition.

Submissions (3):

PreventionGenetics, part of Exact Sciences
Classification: Uncertain significance for IYD-related condition. Last evaluated: 2025-07-02. Review status: criteria provided, single submitter. Criteria: ACMG Guidelines, 2015. Collection method: clinical testing. Allele origin: germline.
Comment: The IYD c.624delA variant is predicted to result in a frameshift and premature protein termination (p.Lys208Lysfs*18). To our knowledge, this variant has not been reported in the literature in patients with IYD-related disorders. This variant is reported in 0.0046% of alleles in individuals of European (Non-Finnish) descent in gnomAD. Although we suspect that this variant may be pathogenic, at this time, the clinical significance of this variant is uncertain due to the absence of conclusive functional and genetic evidence.

Fulgent Genetics
Classification: Likely pathogenic for Iodotyrosine deiodination defect. Last evaluated: 2024-05-09. Review status: criteria provided, single submitter. Criteria: ACMG Guidelines, 2015. Collection method: clinical testing. Allele origin: germline.

Ambry Genetics
Classification: Uncertain significance. Last evaluated: 2021-09-14. Review status: criteria provided, single submitter. Criteria: Ambry Variant Classification Scheme 2023. Collection method: clinical testing. Allele origin: germline.
Comment: Does not currently meet published gene-disease clinical validity criteria for this gene (Smith, 2017) Based on insufficient or conflicting evidence, the clinical significance of this alteration remains unclear.

Literature cited by the submitters: PubMed 28106320 (cited by Ambry Genetics).